The following is an entry in ClinVar:

ClinVar aggregate classification (germline): Benign/Likely benign. Review status: criteria provided, multiple submitters, no conflicts (2 of 4 stars). 9 submissions from 9 submitters: Benign (3); Likely benign (3). 3 of the submissions do not count toward it. Last evaluated 2026-01-20.

Conditions:
DCX-related disorder. Also called: DCX-related condition; DCX-Related Disorders. Identifiers: MedGen CN381525.
Inborn genetic diseases. Identifiers: MedGen C0950123, MeSH D030342.

Allele frequency attached by ClinVar (database versions not stated): gnomAD exomes 0.00035 and 0.00098; ExAC 0.00127; 1000 Genomes Project 0.00318; gnomAD 0.00347 and 0.00376; 1000 Genomes Project 30x 0.00354; TOPMed 0.00423; ESP Exome Variant Server 0.00435.
gnomAD v4.1: 800 of 1,209,805 alleles (0.066%); highest among the groups gnomAD compares: African/African-American, 1.2%; 3 homozygotes.

Submissions (9):

Labcorp Genetics (formerly Invitae), Labcorp
Classification: Benign. Last evaluated: 2026-01-20. Review status: criteria provided, single submitter. Criteria: Invitae Variant Classification Sherloc (09022015). Collection method: clinical testing. Allele origin: germline.

Blueprint Genetics
Classification: Likely benign. Last evaluated: 2024-10-31. Review status: criteria provided, single submitter. Criteria: ACMG Guidelines, 2015. Collection method: clinical testing. Allele origin: germline.

GeneDx
Classification: Benign. Last evaluated: 2017-01-24. Review status: criteria provided, single submitter. Criteria: GeneDx Variant Classification (06012015). Collection method: clinical testing. Allele origin: germline. Affected: yes.
Comment: This variant is considered likely benign or benign based on one or more of the following criteria: it is a conservative change, it occurs at a poorly conserved position in the protein, it is predicted to be benign by multiple in silico algorithms, and/or has population frequency not consistent with disease.

Ambry Genetics
Classification: Likely benign for Inborn genetic diseases. Last evaluated: 2016-08-10. Review status: criteria provided, single submitter. Criteria: Ambry Variant Classification Scheme 2023. Collection method: clinical testing. Allele origin: germline.

Genetic Services Laboratory, University of Chicago
Classification: Benign. Last evaluated: 2013-02-08. Review status: criteria provided, single submitter. Criteria: ACMG Guidelines, 2007. Collection method: clinical testing. Allele origin: germline. Inheritance: Autosomal dominant inheritance.

Breakthrough Genomics
Classification: Likely benign. Review status: criteria provided, single submitter. Criteria: ACMG Guidelines, 2015. Collection method: not provided. Allele origin: germline. Inheritance: X-linked inheritance. Affected: yes.

PreventionGenetics, part of Exact Sciences
Classification: Benign for DCX-related condition. Last evaluated: 2019-05-14. Review status: no assertion criteria provided. Collection method: clinical testing. Allele origin: germline. Not counted in ClinVar's aggregate classification.
Comment: This variant is classified as benign based on ACMG/AMP sequence variant interpretation guidelines (Richards et al. 2015 PMID: 25741868, with internal and published modifications).

Clinical Genetics DNA and cytogenetics Diagnostics Lab, Erasmus MC, Erasmus Medical Center
Classification: Likely benign. Review status: no assertion criteria provided. Collection method: clinical testing. Allele origin: germline. Affected: yes. Study: VKGL Data-share Consensus. Not counted in ClinVar's aggregate classification.

Genome Diagnostics Laboratory, University Medical Center Utrecht
Classification: Benign. Review status: no assertion criteria provided. Collection method: clinical testing. Allele origin: germline. Affected: yes. Study: VKGL Data-share Consensus. Not counted in ClinVar's aggregate classification.

NM_001195553.2(DCX):c.588T>C (p.Arg196=)

Gene: DCX (doublecortin; minus strand). Cytogenetic location: Xq23.
Variant type: single nucleotide variant.
Coding change: c.588T>C on transcript NM_001195553.2 (MANE Select); coding-DNA position 588, T replaced by C.
Protein change: p.Arg196=; no amino-acid change (arginine 196 retained).
Molecular consequence: synonymous variant.
Genome position (GRCh38, 1-based): chrX:111,401,107, A>G on the plus strand (T>C on the coding strand, the complement: DCX is on the minus strand). VCF-style: chrX-111401107-A-G. GRCh37 (hg19) VCF-style: chrX-110644335-A-G.
Other names: c.588T>C, p.Arg196= (NM_001369371.1, NM_001369372.1, NM_001369373.1 and 5 more transcripts); c.831T>C, p.Arg277= (NM_000555.3).
Identifiers: ClinVar variation 158486 (VCV000158486.26), dbSNP rs138706968, ClinGen allele CA172020.